The following is an entry in ClinVar:

ClinVar aggregate classification (germline): Uncertain significance. Review status: criteria provided, multiple submitters, no conflicts (2 of 4 stars). 5 submissions from 5 submitters: Uncertain significance (5). Last evaluated 2025-10-03.

Conditions:
Central core myopathy (CMYO1A). Also called: CONGENITAL MYOPATHY 1A, AUTOSOMAL DOMINANT, WITH SUSCEPTIBILITY TO MALIGNANT HYPERTHERMIA; Central core disease; Myopathy, central fibrillar. Identifiers: Orphanet 597, MedGen C5830701, MONDO:0007294, OMIM 117000.
King Denborough syndrome (KDS). Identifiers: MedGen C1840365, MONDO:0020485, OMIM 619542.
Malignant hyperthermia, susceptibility to, 1 (MHS1). Also called: Malignant hyperthermia suceptibility 1; RYR1-Related Malignant Hyperthermia Susceptibility; Anesthesia related hyperthermia; Malignant hyperpyrexia; Fulminating hyperpyrexia; Pharmacogenic myopathy. Identifiers: Orphanet 423, MedGen C2930980, MONDO:0007783, OMIM 145600.
Congenital multicore myopathy with external ophthalmoplegia (CMYO1B). Also called: Minicore myopathy with external ophthalmoplegia; MULTIMINICORE DISEASE WITH EXTERNAL OPHTHALMOPLEGIA; Congenital myopathy 1B, autosomal recessive; Minicore myopathy; MULTICORE MYOPATHY. Identifiers: Orphanet 598, Orphanet 98905, MedGen C1850674, MONDO:0009712, OMIM 255320, HP:0003789.
Congenital myopathy with fiber type disproportion. Also called: Congenital fiber-type disproportion; Congenital fiber-type disproportion myopathy. Identifiers: Orphanet 2020, MedGen C0546264, MONDO:0009711. Inheritance: all.
RYR1-related disorder. Also called: RYR1-related disorders; RYR1-related condition. Identifiers: MedGen CN239331.

Allele frequency attached by ClinVar (database versions not stated): TOPMed 0.00001.
gnomAD v4.1: 25 of 1,611,738 alleles (0.0016%); highest among the groups gnomAD compares: Non-Finnish European, 0.002%; no homozygotes.

Submissions (5):

Labcorp Genetics (formerly Invitae), Labcorp
Classification: Uncertain significance for RYR1-related disorder. Last evaluated: 2025-10-03. Review status: criteria provided, single submitter. Criteria: Invitae Variant Classification Sherloc (09022015). Collection method: clinical testing. Allele origin: germline.
Comment: This sequence change replaces valine, which is neutral and non-polar, with leucine, which is neutral and non-polar, at codon 2102 of the RYR1 protein (p.Val2102Leu). This variant is present in population databases (rs770593660, gnomAD 0.004%). This missense change has been observed in individual(s) with malignant hyperthermia susceptibility (MHS) (PMID: 19346234, 23035052; internal data). ClinVar contains an entry for this variant (Variation ID: 580243). Invitae Evidence Modeling of protein sequence and biophysical properties (such as structural, functional, and spatial information, amino acid conservation, physicochemical variation, residue mobility, and thermodynamic stability) indicates that this missense variant is not expected to disrupt RYR1 protein function with a negative predictive value of 80%. In summary, the available evidence is currently insufficient to determine the role of this variant in disease. Therefore, it has been classified as a Variant of Uncertain Significance.

Color Diagnostics, LLC DBA Color Health
Classification: Uncertain significance for Malignant hyperthermia, susceptibility to, 1. Last evaluated: 2025-06-09. Review status: criteria provided, single submitter. Criteria: ACMG Guidelines, 2015. Collection method: clinical testing. Allele origin: germline.
Comment: This missense variant replaces valine with leucine at codon 2102 of the RYR1 protein. Computational prediction is inconclusive regarding the impact of this variant on protein structure and function. To our knowledge, functional studies have not been reported for this variant. This variant has been reported in a family affected with malignant hyperthermia who also carried likely benign RYR1 co-variant c.4747C>T p.Arg1583Cys in *cis* (PMID: 23035052). This variant has been identified in 4/247692 chromosomes in the general population by the Genome Aggregation Database (gnomAD). The available evidence is insufficient to determine the role of this variant in disease conclusively. Therefore, this variant is classified as a Variant of Uncertain Significance.

GeneDx
Classification: Uncertain significance. Last evaluated: 2025-03-23. Review status: criteria provided, single submitter. Criteria: GeneDx Variant Classification Process June 2021. Collection method: clinical testing. Allele origin: germline. Affected: yes.
Comment: Observed in a patient with infant presentation of RYR1-related myopathy but additional patient specific details were not provided in this report (PMID: 37643885); In silico analysis indicates that this missense variant does not alter protein structure/function; Not observed at significant frequency in large population cohorts (gnomAD); This variant is associated with the following publications: (PMID: 12668474, 33767344, 19346234, 23035052, 37643885)

All of Us Research Program, National Institutes of Health
Classification: Uncertain significance for Malignant hyperthermia, susceptibility to, 1. Last evaluated: 2023-08-08. Review status: criteria provided, single submitter. Criteria: ACMG Guidelines, 2015. Collection method: clinical testing. Allele origin: germline. Inheritance: Autosomal dominant inheritance. Observed: 3 variant alleles, 3 heterozygotes.
Comment: This study involves interpretation of variants in research participants for the purpose of population health screening. Participant phenotype was not available at the time of variant classification. Additional details can be found in publication PMID: 35346344, PMCID: PMC8962531

Fulgent Genetics
Classification: Uncertain significance for Central core myopathy; Malignant hyperthermia, susceptibility to, 1; Congenital myopathy 4A, autosomal dominant; Congenital multicore myopathy with external ophthalmoplegia; King Denborough syndrome. Last evaluated: 2021-10-11. Review status: criteria provided, single submitter. Criteria: ACMG Guidelines, 2015. Collection method: clinical testing. Allele origin: unknown.

Literature cited by the submitters: PubMed 19346234 (cited by Labcorp Genetics (formerly Invitae), Labcorp); PubMed 23035052 (cited by Labcorp Genetics (formerly Invitae), Labcorp and Color Diagnostics, LLC DBA Color Health).

NM_000540.3(RYR1):c.6304G>T (p.Val2102Leu)

Gene: RYR1 (ryanodine receptor 1; plus strand). Cytogenetic location: 19q13.2.
Variant type: single nucleotide variant.
Coding change: c.6304G>T on transcript NM_000540.3 (MANE Select); coding-DNA position 6304, G replaced by T.
Protein change: p.Val2102Leu; replaces valine 2102 with leucine.
Molecular consequence: missense variant.
Genome position (GRCh38, 1-based): chr19:38,494,381, G>T. VCF-style: chr19-38494381-G-T. GRCh37 (hg19) VCF-style: chr19-38985021-G-T.
Other names: c.6304G>T, p.Val2102Leu (NM_001042723.2); short protein forms V2102L.
Identifiers: ClinVar variation 580243 (VCV000580243.13), dbSNP rs770593660, ClinGen allele CA068032.